The following is an entry in ClinVar:

ClinVar aggregate classification (germline): Likely benign. Review status: criteria provided, multiple submitters, no conflicts (2 of 4 stars). 2 submissions from 2 submitters: Likely benign (2). Last evaluated 2017-04-27.

Conditions:
Troyer syndrome (SPG20). Identifiers: Orphanet 101000, MedGen C0393559, MONDO:0010156, OMIM 275900.

Allele frequency attached by ClinVar (database versions not stated): gnomAD 0.23950 and 0.24550; TOPMed 0.24424; 1000 Genomes Project 30x 0.28623; 1000 Genomes Project 0.29113.

Submissions (2):

Illumina Laboratory Services, Illumina
Classification: Likely benign for Troyer syndrome. Last evaluated: 2017-04-27. Review status: criteria provided, single submitter. Criteria: ICSL Variant Classification Criteria 13 December 2019. Collection method: clinical testing. Allele origin: germline.
Comment: This variant was observed as part of a predisposition screen in an ostensibly healthy population. A literature search was performed for the gene, cDNA change, and amino acid change (where applicable). No publications were found based on this search. Allele frequency data from public databases allowed determination this variant is unlikely to cause disease. Therefore, this variant is classified as likely benign.

Breakthrough Genomics
Classification: Likely benign. Review status: criteria provided, single submitter. Criteria: ACMG Guidelines, 2015. Collection method: not provided. Allele origin: germline. Inheritance: Autosomal recessive inheritance. Affected: yes.

NM_015087.5(SPART):c.*817A>T

Gene: SPART (spartin; minus strand). Cytogenetic location: 13q13.3.
Variant type: single nucleotide variant.
Coding change: c.*817A>T on transcript NM_015087.5 (MANE Select); 817 bases downstream of the stop codon, A replaced by T.
Molecular consequence: 3 prime UTR variant.
Genome position (GRCh38, 1-based): chr13:36,303,548, T>A on the plus strand (A>T on the coding strand, the complement: SPART is on the minus strand). VCF-style: chr13-36303548-T-A. GRCh37 (hg19) VCF-style: chr13-36877685-T-A.
Other names: c.*817A>T (NM_001142294.2, NM_001142295.2, NM_001142296.2).
Identifiers: ClinVar variation 311753 (VCV000311753.6), dbSNP rs7317988, ClinGen allele CA10643227.